The following is an entry in ClinVar:

ClinVar aggregate classification (germline): Likely pathogenic (3 of 4 stars; one submission).

Conditions:
Glanzmann thrombasthenia. Also called: BLEEDING DISORDER, PLATELET-TYPE, 2; THROMBASTHENIA OF GLANZMANN AND NAEGELI; Thrombasthenia; PLATELET GLYCOPROTEIN IIb-IIIa DEFICIENCY; Glanzmann's thrombasthenia. Identifiers: Orphanet 849, MedGen C0040015, MONDO:0100326.

Submission:

ClinGen Platelet Disorders Variant Curation Expert Panel, ClinGen
Classification: Likely pathogenic for Glanzmann thrombasthenia. Last evaluated: 2023-08-15. Review status: reviewed by expert panel. Criteria: ClinGen Platelet ACMG Specifications v2-1. Collection method: curation. Allele origin: germline. Inheritance: Autosomal recessive inheritance.
Comment: This c.2187_2203delinsTCATTGGCTCA (p.Ile730_Leu735delinsHisTrpLeuIle) variant is predicted to cause a change in the length of the protein due to an in-frame indel, substituting six amino acid residues (Ile, Leu, Leu, Ile, Gly, Leu) by four different amino acids (His, Gly, Leu, Ile) in a non-repeat region (PM4). At least one patient (Patient GT20 in PMID:16463284) with this variant displayed mucocutaneous bleeding and impaired aggregation with all agonists except ristocetin, which is highly specific for Glanzmann thrombasthenia (PP4_Moderate). This variant is absent from gnomAD v2.1.1 (PM2_Supporting). In summary, this variant meets the criteria to be classified as Likely Pathogenic for autosomal recessive Glanzmann Thrombasthenia based on the ACMG/AMP criteria applied, as specified by the ClinGen PD VCEP: PP4_Moderate, PM4, PM2_Supporting, PM3_Supporting (VCEP specifications version 2).

NM_000212.3(ITGB3):c.2187_2203delinsTCATTGGCTCA (p.Ile730_Leu735delinsHisTrpLeuIle)

Genes: EFCAB13-DT (EFCAB13 divergent transcript; minus strand), ITGB3 (integrin subunit beta 3; plus strand). Cytogenetic location: 17q21.32.
Variant type: Indel.
Coding change: c.2187_2203delinsTCATTGGCTCA on transcript NM_000212.3 (MANE Select); coding-DNA positions 2187 to 2203, CATTCTGCTCATTGGCC replaced by TCATTGGCTCA.
Protein change: p.Ile730_Leu735delinsHisTrpLeuIle.
Molecular consequence: inframe indel.
Genome position (GRCh38, 1-based): chr17:47,307,523-47,307,539, CATTCTGCTCATTGGCC replaced by TCATTGGCTCA. VCF-style: chr17-47307523-CATTCTGCTCATTGGCC-TCATTGGCTCA. GRCh37 (hg19) VCF-style: chr17-45384889-CATTCTGCTCATTGGCC-TCATTGGCTCA.
Other names: NM_000212.3:c.2187_2203delinsTCATTGGCTCA.
Identifiers: ClinVar variation 2581085 (VCV002581085.1), dbSNP rs2547623734, ClinGen allele CA915940958.